The following is an entry in ClinVar:

NM_152468.5(TMC8):c.187T>C (p.Trp63Arg)

Genes: TMC6 (transmembrane channel like 6; minus strand), TMC8 (transmembrane channel like 8; plus strand), LOC130061792 (ATAC-STARR-seq lymphoblastoid silent region 9043; plus strand). Cytogenetic location: 17q25.3.
Variant type: single nucleotide variant.
Coding change: c.187T>C on transcript NM_152468.5 (MANE Select); coding-DNA position 187, T replaced by C.
Protein change: p.Trp63Arg; replaces tryptophan 63 with arginine.
Molecular consequence: missense variant. On other transcripts: intron variant (1).
Genome position (GRCh38, 1-based): chr17:78,131,919, T>C. VCF-style: chr17-78131919-T-C. GRCh37 (hg19) VCF-style: chr17-76128000-T-C.
Other names: c.-75+422A>G (NM_007267.7); short protein forms W63R.
Identifiers: ClinVar variation 2418203 (VCV002418203.42), dbSNP rs2074996020, ClinGen allele CA401239654.

ClinVar aggregate classification (germline): Uncertain significance (1 of 4 stars; one submission).

Conditions:
Epidermodysplasia verruciformis. Identifiers: Orphanet 302, MedGen C0014522, MONDO:0009176.

Allele frequency attached by ClinVar (database versions not stated): gnomAD exomes 0.00001.
gnomAD v4.1: 8 of 1,496,940 alleles (0.00053%); highest among the groups gnomAD compares: Non-Finnish European, 0.00071%; no homozygotes.

Submission:

Labcorp Genetics (formerly Invitae), Labcorp
Classification: Uncertain significance for Epidermodysplasia verruciformis. Last evaluated: 2022-02-20. Review status: criteria provided, single submitter. Criteria: Invitae Variant Classification Sherloc (09022015). Collection method: clinical testing. Allele origin: germline.
Comment: In summary, the available evidence is currently insufficient to determine the role of this variant in disease. Therefore, it has been classified as a Variant of Uncertain Significance. Algorithms developed to predict the effect of sequence changes on RNA splicing suggest that this variant may create or strengthen a splice site. Algorithms developed to predict the effect of missense changes on protein structure and function are either unavailable or do not agree on the potential impact of this missense change (SIFT: "Tolerated"; PolyPhen-2: "Probably Damaging"; Align-GVGD: "Class C0"). This variant has not been reported in the literature in individuals affected with TMC8-related conditions. This variant is not present in population databases (gnomAD no frequency). This sequence change replaces tryptophan, which is neutral and slightly polar, with arginine, which is basic and polar, at codon 63 of the TMC8 protein (p.Trp63Arg).